The following is an entry in ClinVar:

ClinVar aggregate classification (germline): Uncertain significance. Review status: criteria provided, multiple submitters, no conflicts (2 of 4 stars). 3 submissions from 3 submitters: Uncertain significance (3). Last evaluated 2025-05-30.

Conditions:
Hereditary cancer-predisposing syndrome. Also called: Tumor predisposition; Hereditary neoplastic syndrome; Neoplastic Syndromes, Hereditary; Hereditary Cancer Syndrome. Identifiers: Orphanet 140162, MedGen C0027672, MeSH D009386, MONDO:0015356.
Familial adenomatous polyposis 1 (FAP1). Also called: POLYPOSIS, ADENOMATOUS INTESTINAL; FAMILIAL ADENOMATOUS POLYPOSIS 1, ATTENUATED. Identifiers: MedGen C2713442, MONDO:0021056, OMIM 175100. Disease mechanism: loss of function.

Submissions (3):

Labcorp Genetics (formerly Invitae), Labcorp
Classification: Uncertain significance for Familial adenomatous polyposis 1. Last evaluated: 2025-05-30. Review status: criteria provided, single submitter. Criteria: Invitae Variant Classification Sherloc (09022015). Collection method: clinical testing. Allele origin: germline.
Comment: This sequence change replaces asparagine, which is neutral and polar, with serine, which is neutral and polar, at codon 1792 of the APC protein (p.Asn1792Ser). This variant is not present in population databases (gnomAD no frequency). This variant has not been reported in the literature in individuals affected with APC-related conditions. ClinVar contains an entry for this variant (Variation ID: 665012). Invitae Evidence Modeling of protein sequence and biophysical properties (such as structural, functional, and spatial information, amino acid conservation, physicochemical variation, residue mobility, and thermodynamic stability) indicates that this missense variant is not expected to disrupt APC protein function with a negative predictive value of 95%. In summary, the available evidence is currently insufficient to determine the role of this variant in disease. Therefore, it has been classified as a Variant of Uncertain Significance.

Ambry Genetics
Classification: Uncertain significance for Hereditary cancer-predisposing syndrome. Last evaluated: 2025-03-18. Review status: criteria provided, single submitter. Criteria: Ambry Variant Classification Scheme 2023. Collection method: clinical testing. Allele origin: germline.
Comment: The p.N1792S variant (also known as c.5375A>G), located in coding exon 15 of the APC gene, results from an A to G substitution at nucleotide position 5375. The asparagine at codon 1792 is replaced by serine, an amino acid with highly similar properties. This amino acid position is conserved. In addition, in silico predictors for this gene do not accurately predict pathogenicity. Based on the available evidence, the clinical significance of this variant remains unclear.

Baylor Genetics
Classification: Uncertain significance for Familial adenomatous polyposis 1. Last evaluated: 2024-01-05. Review status: criteria provided, single submitter. Criteria: ACMG Guidelines, 2015. Collection method: clinical testing. Allele origin: unknown.

NM_000038.6(APC):c.5375A>G (p.Asn1792Ser)

Gene: APC (APC regulator of Wnt signaling pathway; plus strand). Cytogenetic location: 5q22.2.
Variant type: single nucleotide variant.
Coding change: c.5375A>G on transcript NM_000038.6 (MANE Select); coding-DNA position 5375, A replaced by G.
Protein change: p.Asn1792Ser; replaces asparagine 1792 with serine.
Molecular consequence: missense variant.
Genome position (GRCh38, 1-based): chr5:112,840,969, A>G. VCF-style: chr5-112840969-A-G. GRCh37 (hg19) VCF-style: chr5-112176666-A-G.
Other names: c.5375A>G, p.Asn1792Ser (NM_001127510.3, NM_001354895.2); c.5321A>G, p.Asn1774Ser (NM_001127511.3); c.5429A>G, p.Asn1810Ser (NM_001354896.2); c.5405A>G, p.Asn1802Ser (NM_001354897.2); c.5300A>G, p.Asn1767Ser (NM_001354898.2); c.5291A>G, p.Asn1764Ser (NM_001354899.2); c.5252A>G, p.Asn1751Ser (NM_001354900.2); c.5198A>G, p.Asn1733Ser (NM_001354901.2); and 5 more; short protein forms N1509S, N1691S, N1733S, N1767S, N1792S, N1701S, N1751S, N1802S.
Identifiers: ClinVar variation 665012 (VCV000665012.12), dbSNP rs1580659354, ClinGen allele CA16033078.